The following is an entry in ClinVar:

ClinVar aggregate classification (germline): Conflicting classifications of pathogenicity. Review status: criteria provided, conflicting classifications (1 of 4 stars). 2 submissions from 2 submitters: Uncertain significance (1); Likely benign (1). Last evaluated 2023-03-23.

Conditions:
Hereditary cancer-predisposing syndrome. Also called: Hereditary neoplastic syndrome; Neoplastic Syndromes, Hereditary; Hereditary Cancer Syndrome; Tumor predisposition. Identifiers: Orphanet 140162, MedGen C0027672, MeSH D009386, MONDO:0015356.
Hereditary breast ovarian cancer syndrome. Also called: Hereditary breast and/or ovarian cancer syndrome; Hereditary breast and ovarian cancer syndrome (HBOC); Breast and ovarian cancer; Hereditary breast and ovarian cancer; Hereditary breast and ovarian cancer syndrome; BRCA1- and BRCA2-Associated Hereditary Breast and Ovarian Cancer. Identifiers: Orphanet 145, MedGen C0677776, MeSH D061325, MONDO:0003582. Disease mechanism: loss of function.

Submissions (2):

University of Washington Department of Laboratory Medicine, University of Washington
Classification: Likely benign for Hereditary cancer-predisposing syndrome. Last evaluated: 2023-03-23. Review status: criteria provided, single submitter. Criteria: Dines et al. (Genet Med. 2020). Collection method: curation. Allele origin: germline.
Comment: Missense variant in a coldspot region where missense variants are very unlikely to be pathogenic (PMID:31911673).

BRCA2 exon 11 coldspot. Reclassification based on statistical prior probability.

Labcorp Genetics (formerly Invitae), Labcorp
Classification: Uncertain significance for Hereditary breast ovarian cancer syndrome. Last evaluated: 2021-04-23. Review status: criteria provided, single submitter. Criteria: Invitae Variant Classification Sherloc (09022015). Collection method: clinical testing. Allele origin: germline.
Comment: In summary, the available evidence is currently insufficient to determine the role of this variant in disease. Therefore, it has been classified as a Variant of Uncertain Significance. Advanced modeling of protein sequence and biophysical properties (such as structural, functional, and spatial information, amino acid conservation, physicochemical variation, residue mobility, and thermodynamic stability) performed at Invitae indicates that this missense variant is not expected to disrupt BRCA2 protein function. This variant has not been reported in the literature in individuals with BRCA2-related conditions. This variant is not present in population databases (ExAC no frequency). This sequence change replaces glutamic acid with glycine at codon 2258 of the BRCA2 protein (p.Glu2258Gly). The glutamic acid residue is weakly conserved and there is a moderate physicochemical difference between glutamic acid and glycine.

NM_000059.4(BRCA2):c.6773A>G (p.Glu2258Gly)

Gene: BRCA2 (BRCA2 DNA repair associated; plus strand). Cytogenetic location: 13q13.1.
Variant type: single nucleotide variant.
Coding change: c.6773A>G on transcript NM_000059.4 (MANE Select); coding-DNA position 6773, A replaced by G.
Protein change: p.Glu2258Gly; replaces glutamic acid 2258 with glycine.
Molecular consequence: missense variant.
Genome position (GRCh38, 1-based): chr13:32,341,128, A>G. VCF-style: chr13-32341128-A-G. GRCh37 (hg19) VCF-style: chr13-32915265-A-G.
Other names: short protein forms E2258G.
Identifiers: ClinVar variation 1483797 (VCV001483797.9), dbSNP rs2137530584, ClinGen allele CA387791228.